The following is an entry in ClinVar:

NM_001429.4(EP300):c.2479C>A (p.Leu827Ile)

Gene: EP300 (E1A binding protein p300; plus strand). Cytogenetic location: 22q13.2.
Variant type: single nucleotide variant.
Coding change: c.2479C>A on transcript NM_001429.4 (MANE Select); coding-DNA position 2479, C replaced by A.
Protein change: p.Leu827Ile; replaces leucine 827 with isoleucine.
Molecular consequence: missense variant.
Genome position (GRCh38, 1-based): chr22:41,149,860, C>A. VCF-style: chr22-41149860-C-A. GRCh37 (hg19) VCF-style: chr22-41545864-C-A.
Other names: c.2401C>A, p.Leu801Ile (NM_001362843.2); short protein forms L801I, L827I.
Identifiers: ClinVar variation 3764393 (VCV003764393.1).

ClinVar aggregate classification (germline): Uncertain significance (1 of 4 stars; one submission).

Submission:

GeneDx
Classification: Uncertain significance. Last evaluated: 2024-08-19. Review status: criteria provided, single submitter. Criteria: GeneDx Variant Classification Process June 2021. Collection method: clinical testing. Allele origin: germline. Affected: yes.
Comment: Not observed at significant frequency in large population cohorts (gnomAD); In silico analysis indicates that this missense variant does not alter protein structure/function; Has not been previously published as pathogenic or benign to our knowledge